The following is an entry in ClinVar:

ClinVar aggregate classification (germline): Uncertain significance (1 of 4 stars; one submission).

Conditions:
Episodic ataxia type 2 (EA2). Also called: ACETAZOLAMIDE-RESPONSIVE HEREDITARY PAROXYSMAL CEREBELLAR ATAXIA; EPISODIC ATAXIA, NYSTAGMUS-ASSOCIATED; ATAXIA, EPISODIC, WITH NYSTAGMUS; ATAXIA, FAMILIAL PAROXYSMAL; CEREBELLAR ATAXIA, PAROXYSMAL, ACETAZOLAMIDE-RESPONSIVE; CEREBELLOPATHY, HEREDITARY PAROXYSMAL. Identifiers: Orphanet 97, MedGen C1720416, MONDO:0007163, OMIM 108500.
Developmental and epileptic encephalopathy, 42 (DEE42A). Also called: DEVELOPMENTAL AND EPILEPTIC ENCEPHALOPATHY 42A; EPILEPTIC ENCEPHALOPATHY, EARLY INFANTILE, 42A; Epileptic encephalopathy, early infantile, 42. Identifiers: MedGen C4310716, MONDO:0014917, OMIM 617106.

Allele frequency attached by ClinVar (database versions not stated): gnomAD exomes below 0.00001; TOPMed below 0.00001; gnomAD 0.00001.
gnomAD v4.1: 2 of 1,589,992 alleles (0.00013%); highest among the groups gnomAD compares: Non-Finnish European, 0.00017%; no homozygotes.

Submission:

Labcorp Genetics (formerly Invitae), Labcorp
Classification: Uncertain significance for Developmental and epileptic encephalopathy, 42; Episodic ataxia type 2. Last evaluated: 2024-07-01. Review status: criteria provided, single submitter. Criteria: Invitae Variant Classification Sherloc (09022015). Collection method: clinical testing. Allele origin: germline.
Comment: This sequence change replaces proline, which is neutral and non-polar, with histidine, which is basic and polar, at codon 872 of the CACNA1A protein (p.Pro872His). The frequency data for this variant in the population databases is considered unreliable, as metrics indicate poor data quality at this position in the gnomAD database. This variant has not been reported in the literature in individuals affected with CACNA1A-related conditions. ClinVar contains an entry for this variant (Variation ID: 1436803). Advanced modeling of protein sequence and biophysical properties (such as structural, functional, and spatial information, amino acid conservation, physicochemical variation, residue mobility, and thermodynamic stability) performed at Invitae indicates that this missense variant is not expected to disrupt CACNA1A protein function with a negative predictive value of 95%. In summary, the available evidence is currently insufficient to determine the role of this variant in disease. Therefore, it has been classified as a Variant of Uncertain Significance.

NM_001127222.2(CACNA1A):c.2612C>A (p.Pro871His)

Gene: CACNA1A (calcium voltage-gated channel subunit alpha1 A; minus strand). Cytogenetic location: 19p13.13.
Variant type: single nucleotide variant.
Coding change: c.2612C>A on transcript NM_001127222.2 (MANE Select); coding-DNA position 2612, C replaced by A.
Protein change: p.Pro871His; replaces proline 871 with histidine.
Molecular consequence: missense variant.
Genome position (GRCh38, 1-based): chr19:13,299,021, G>T on the plus strand (C>A on the coding strand, the complement: CACNA1A is on the minus strand). VCF-style: chr19-13299021-G-T. GRCh37 (hg19) VCF-style: chr19-13409835-G-T.
Other names: c.2624C>A, p.Pro875His (NM_000068.4, NM_023035.3); c.2615C>A, p.Pro872His (NM_001127221.2, NM_001174080.2); short protein forms P872H, P875H, P871H.
Identifiers: ClinVar variation 1436803 (VCV001436803.6), dbSNP rs1178583020, ClinGen allele CA404343074.